The following is an entry in ClinVar:

ClinVar aggregate classification (germline): Conflicting classifications of pathogenicity. Review status: criteria provided, conflicting classifications (1 of 4 stars). 6 submissions from 6 submitters: Likely pathogenic (3); Uncertain significance (3). Last evaluated 2023-01-25.

Conditions:
Intellectual disability, autosomal dominant 16 (CSS4). Also called: COFFIN-SIRIS SYNDROME 4. Identifiers: Orphanet 1465, MedGen C3553249, MONDO:0013821, OMIM 614609.
SMARCA4-related BAFopathy.
Hereditary cancer-predisposing syndrome. Also called: Hereditary neoplastic syndrome; Tumor predisposition; Neoplastic Syndromes, Hereditary; Hereditary Cancer Syndrome. Identifiers: Orphanet 140162, MedGen C0027672, MeSH D009386, MONDO:0015356.
Rhabdoid tumor predisposition syndrome 2 (RTPS2). Identifiers: Orphanet 231108, Orphanet 69077, MedGen C2750074, MONDO:0013224, OMIM 613325.

Submissions (6):

Ambry Genetics
Classification: Likely pathogenic for Hereditary cancer-predisposing syndrome. Last evaluated: 2023-01-25. Review status: criteria provided, single submitter. Criteria: Ambry Variant Classification Scheme 2023. Collection method: clinical testing. Allele origin: germline.
Comment: The p.M886V variant (also known as c.2656A>G), located in coding exon 18 of the SMARCA4 gene, results from an A to G substitution at nucleotide position 2656. The methionine at codon 886 is replaced by valine, an amino acid with highly similar properties. This missense alteration is located in a region that has a low rate of benign missense variation (Lek M et al. Nature. 2016 Aug 18;536(7616):285-91; DECIPHER: Database of Chromosomal Imbalance and Phenotype in Humans using Ensembl Resources. Firth H.V. et al. 2009. Am.J.Hum.Genet. 84, 524-533 (DOI). This alteration has been observed in individuals with a personal and/or family history that is consistent with Coffin-Siris syndrome (Levy MA et al. HGG Adv, 2022 Jan;3:100075; Belanger Deloge R et al. Eur J Hum Genet, 2022 Dec; Ambry internal data). In addition, this variant has been determined to be the result of a de novo mutation or germline mosaicism in one individual with Coffin-Siris syndrome (personal communication). This variant is considered to be rare based on population cohorts in the Genome Aggregation Database (gnomAD). This amino acid position is highly conserved in available vertebrate species. In addition, this alteration is predicted to be deleterious by in silico analysis. Missense and in-frame variants in SMARCA4 are known to cause neurodevelopmental disorders; however, such associations with rhabdoid tumor predisposition syndrome including small cell carcinoma of the ovary-hypercalcemic type (SCCOHT) are exceedingly rare (Kosho T et al. Am J Med Genet C Semin Med Genet. 2014 Sep;166C(3):262-75; Jelinic P et al. Nat Genet. 2014 May;46(5):424-6). Based on the supporting evidence, this alteration is likely pathogenic for Coffin-Siris syndrome; however, the association of this alteration with rhabdoid tumor predisposition syndrome is unknown.

Daryl Scott Lab, Baylor College of Medicine
Classification: Likely pathogenic for Intellectual disability, autosomal dominant 16. Last evaluated: 2022-02-01. Review status: criteria provided, single submitter. Criteria: ACMG Guidelines, 2015. Collection method: clinical testing. Allele origin: de novo. Affected: yes. Observed: 1 variant allele.

Labcorp Genetics (formerly Invitae), Labcorp
Classification: Uncertain significance for Rhabdoid tumor predisposition syndrome 2. Last evaluated: 2021-12-02. Review status: criteria provided, single submitter. Criteria: Invitae Variant Classification Sherloc (09022015). Collection method: clinical testing. Allele origin: germline.
Comment: In summary, the available evidence is currently insufficient to determine the role of this variant in disease. Therefore, it has been classified as a Variant of Uncertain Significance. Algorithms developed to predict the effect of missense changes on protein structure and function are either unavailable or do not agree on the potential impact of this missense change (SIFT: "Deleterious"; PolyPhen-2: "Possibly Damaging"; Align-GVGD: "Class C15"). ClinVar contains an entry for this variant (Variation ID: 1177366). This variant has not been reported in the literature in individuals affected with SMARCA4-related conditions. This variant is not present in population databases (gnomAD no frequency). This sequence change replaces methionine, which is neutral and non-polar, with valine, which is neutral and non-polar, at codon 886 of the SMARCA4 protein (p.Met886Val).

Genome-Nilou Lab
Classification: Uncertain significance for Intellectual disability, autosomal dominant 16. Last evaluated: 2021-07-15. Review status: criteria provided, single submitter. Criteria: ACMG Guidelines, 2015. Collection method: clinical testing. Allele origin: germline. Affected: no.

Baylor Genetics
Classification: Likely pathogenic for SMARCA4-related BAFopathy. Last evaluated: 2021-06-10. Review status: criteria provided, single submitter. Criteria: ACMG Guidelines, 2015. Collection method: clinical testing. Allele origin: de novo. Affected: yes.

GeneDx
Classification: Uncertain significance. Last evaluated: 2019-05-13. Review status: criteria provided, single submitter. Criteria: GeneDx Variant Classification Process June 2021. Collection method: clinical testing. Allele origin: germline. Affected: yes.
Comment: Not observed in large population cohorts (Lek et al., 2016); In silico analysis, which includes protein predictors and evolutionary conservation, supports a deleterious effect; Has not been previously published as pathogenic or benign to our knowledge

Literature cited by the submitters: PubMed 35047860 (cited by Ambry Genetics); PubMed 36474027 (cited by Ambry Genetics and Daryl Scott Lab, Baylor College of Medicine).

NM_003072.5(SMARCA4):c.2656A>G (p.Met886Val)

Gene: SMARCA4 (SWI/SNF related BAF chromatin remodeling complex subunit ATPase 4; plus strand). Cytogenetic location: 19p13.2.
Variant type: single nucleotide variant.
Coding change: c.2656A>G on transcript NM_003072.5 (MANE Select); coding-DNA position 2656, A replaced by G.
Protein change: p.Met886Val; replaces methionine 886 with valine.
Molecular consequence: missense variant. On other transcripts: non-coding transcript variant (1).
Genome position (GRCh38, 1-based): chr19:11,021,764, A>G. VCF-style: chr19-11021764-A-G. GRCh37 (hg19) VCF-style: chr19-11132440-A-G.
Other names: c.2656A>G, p.Met886Val (NM_001128844.3, NM_001128845.2, NM_001128846.2 and 5 more transcripts); short protein forms M886V.
Identifiers: ClinVar variation 1177366 (VCV001177366.17), dbSNP rs2146416371, ClinGen allele CA404055802.
Genomic context (GRCh38, chr19:11,021,764, plus strand): 5'-TGCCCACTCTGGGGCCCGCAGATCCGTTGGAAGTACATGATTGTGGACGAAGGTCACCGC[A>G]TGAAGAACCACCACTGCAAGCTGACGCAGGTGCTCAACACGCACTATGTGGCACCCCGCC-3'
Protein context (NP_003063.2, residues 876-896): KYMIVDEGHR[Met886Val]KNHHCKLTQV